The following is an entry in ClinVar:

NM_000222.3(KIT):c.2778G>A (p.Lys926=)

Gene: KIT (KIT proto-oncogene, receptor tyrosine kinase; plus strand). Cytogenetic location: 4q12.
Variant type: single nucleotide variant.
Coding change: c.2778G>A on transcript NM_000222.3 (MANE Select); coding-DNA position 2778, G replaced by A.
Protein change: p.Lys926=; no amino-acid change (lysine 926 retained).
Molecular consequence: synonymous variant.
Genome position (GRCh38, 1-based): chr4:54,737,256, G>A. VCF-style: chr4-54737256-G-A. GRCh37 (hg19) VCF-style: chr4-55603422-G-A.
Other names: c.2778G>A (NM_000222.2); c.2766G>A, p.Lys922= (NM_001093772.2, NM_001385292.1); c.2781G>A, p.Lys927= (NM_001385284.1); c.2775G>A, p.Lys925= (NM_001385285.1); c.2763G>A, p.Lys921= (NM_001385286.1); c.2769G>A, p.Lys923= (NM_001385288.1); c.2778G>A, p.Lys926= (NM_001385290.1).
Identifiers: ClinVar variation 1089238 (VCV001089238.12), dbSNP rs1282417552, ClinGen allele CA439292197.

ClinVar aggregate classification (germline): Benign/Likely benign. Review status: criteria provided, multiple submitters, no conflicts (2 of 4 stars). 3 submissions from 3 submitters: Benign (1); Likely benign (2). Last evaluated 2026-06-05.

Conditions:
Gastrointestinal stromal tumor. Also called: Gastrointestinal stroma tumor; Gastrointestinal stromal tumor, somatic. Identifiers: Orphanet 44890, MedGen C0238198, MeSH D046152, MONDO:0011719, OMIM 606764, HP:0100723.
Hereditary cancer-predisposing syndrome. Also called: Neoplastic Syndromes, Hereditary; Hereditary Cancer Syndrome; Hereditary neoplastic syndrome; Tumor predisposition. Identifiers: Orphanet 140162, MedGen C0027672, MeSH D009386, MONDO:0015356.

Allele frequency attached by ClinVar (database versions not stated): gnomAD exomes below 0.00001; gnomAD 0.00001; TOPMed 0.00001.
gnomAD v4.1: 4 of 1,612,934 alleles (0.00025%); highest among the groups gnomAD compares: East Asian, 0.0022%; no homozygotes.

Submissions (3):

Myriad Genetics, Inc.
Classification: Benign for Gastrointestinal stromal tumor. Last evaluated: 2026-06-05. Review status: criteria provided, single submitter. Criteria: Myriad Autosomal Dominant, Autosomal Recessive and X-Linked Classification Criteria (2023). Collection method: clinical testing. Allele origin: unknown.
Comment: This variant is considered benign. This variant is a silent/synonymous amino acid change and it is not expected to impact splicing.

Labcorp Genetics (formerly Invitae), Labcorp
Classification: Likely benign for Gastrointestinal stromal tumor. Last evaluated: 2025-06-11. Review status: criteria provided, single submitter. Criteria: Invitae Variant Classification Sherloc (09022015). Collection method: clinical testing. Allele origin: germline.

Ambry Genetics
Classification: Likely benign for Hereditary cancer-predisposing syndrome. Last evaluated: 2023-04-29. Review status: criteria provided, single submitter. Criteria: Ambry Variant Classification Scheme 2023. Collection method: clinical testing. Allele origin: germline.